The following is an entry in ClinVar:

NM_000548.5(TSC2):c.4081C>T (p.Arg1361Ter)

Gene: TSC2 (TSC complex subunit 2; plus strand). Cytogenetic location: 16p13.3.
Variant type: single nucleotide variant.
Coding change: c.4081C>T on transcript NM_000548.5 (MANE Select); coding-DNA position 4081, C replaced by T.
Protein change: p.Arg1361Ter; replaces arginine 1361 with a stop codon.
Molecular consequence: nonsense.
Genome position (GRCh38, 1-based): chr16:2,084,303, C>T. VCF-style: chr16-2084303-C-T. GRCh37 (hg19) VCF-style: chr16-2134304-C-T.
Other names: c.3880C>T, p.Arg1294Ter (NM_001077183.3); c.4012C>T, p.Arg1338Ter (NM_001114382.3); c.3772C>T, p.Arg1258Ter (NM_001318827.2); c.3736C>T, p.Arg1246Ter (NM_001318829.2); c.3349C>T, p.Arg1117Ter (NM_001318831.2); c.3913C>T, p.Arg1305Ter (NM_001318832.2); c.3883C>T, p.Arg1295Ter (NM_001363528.2); c.3949C>T, p.Arg1317Ter (NM_001370404.1); and 1 more; short protein forms R1361*, R1294*, R1258*, R1317*, R1338*, R1117*, R1246*, R1295*.
Identifiers: ClinVar variation 571122 (VCV000571122.8), dbSNP rs560831385, ClinGen allele CA394299441.
Genomic context (GRCh38, chr16:2,084,303, plus strand): 5'-AGCCAGGAGGAGAAGTCGCTCCACGCGGAGGAGCTGGTTGGCAGGGGCATCCCCATCGAG[C>T]GAGTCGTCTCCTCGGAGGGTGGCCGGCCCTCTGTGGACCTCTCCTTCCAGCCCTCGCAGC-3'

ClinVar aggregate classification (germline): Uncertain significance. Review status: criteria provided, multiple submitters, no conflicts (2 of 4 stars). 2 submissions from 2 submitters: Uncertain significance (2). Last evaluated 2026-02-25.

Conditions:
Hereditary cancer-predisposing syndrome. Also called: Neoplastic Syndromes, Hereditary; Hereditary neoplastic syndrome; Tumor predisposition; Hereditary Cancer Syndrome. Identifiers: Orphanet 140162, MedGen C0027672, MeSH D009386, MONDO:0015356.
Tuberous sclerosis 2 (TSC2). Identifiers: Orphanet 805, MedGen C1860707, MONDO:0013199, OMIM 613254.

gnomAD v4.1: 1 of 1,612,716 alleles (0.000062%); highest among the groups gnomAD compares: Non-Finnish European, 0.000085%; no homozygotes.

Submissions (2):

Ambry Genetics
Classification: Uncertain significance for Hereditary cancer-predisposing syndrome. Last evaluated: 2026-02-25. Review status: criteria provided, single submitter. Criteria: Ambry Variant Classification Scheme 2023. Collection method: clinical testing. Allele origin: germline.
Comment: The p.R1361* variant (also known as c.4081C>T), located in coding exon 33 of the TSC2 gene, results from a C to T substitution at nucleotide position 4081. This changes the amino acid from an arginine to a stop codon within coding exon 33. This alteration is expected to result in loss of function by premature protein truncation or nonsense-mediated mRNA decay. However, in silico splice site analysis predicts that this alteration will result in the creation or strengthening of a novel splice donor site, and RNA studies have demonstrated that this alteration results in an incomplete splice defect. The resulting aberrantly spliced transcript is predicted to be in-frame, and the clinical impact of this abnormal splicing is unknown at this time (Ambry internal data). In addition, this variant has been identified in several individuals without any reported features of tuberous sclerosis (Haque B et al. Eur J Hum Genet, 2023 Nov; Ambry internal data). Based on the available evidence, the clinical significance of this variant remains unclear.

Labcorp Genetics (formerly Invitae), Labcorp
Classification: Uncertain significance for Tuberous sclerosis 2. Last evaluated: 2025-03-11. Review status: criteria provided, single submitter. Criteria: Invitae Variant Classification Sherloc (09022015). Collection method: clinical testing. Allele origin: germline.
Comment: This sequence change creates a premature translational stop signal (p.Arg1361*) in the TSC2 gene. It is expected to result in an absent or disrupted protein product. Loss-of-function variants in TSC2 are known to be pathogenic (PMID: 10205261, 17304050). This variant is not present in population databases (gnomAD no frequency). This variant has not been reported in the literature in individuals affected with TSC2-related conditions. This premature translational stop signal has been observed in at least one individual who was not affected with TSC2-related conditions (internal data). ClinVar contains an entry for this variant (Variation ID: 571122). Algorithms developed to predict the effect of sequence changes on RNA splicing suggest that this variant may create or strengthen a splice site. In summary, the available evidence is currently insufficient to determine the role of this variant in disease. Therefore, it has been classified as a Variant of Uncertain Significance.

Literature cited by the submitters: PubMed 38012313 (cited by Ambry Genetics); PubMed 10205261 (cited by Labcorp Genetics (formerly Invitae), Labcorp); PubMed 17304050 (cited by Labcorp Genetics (formerly Invitae), Labcorp).